The following is an entry in ClinVar:

ClinVar aggregate classification (germline): Conflicting classifications of pathogenicity. Review status: criteria provided, conflicting classifications (1 of 4 stars). 10 submissions from 10 submitters: Likely pathogenic (3); Uncertain significance (6). 1 of the submissions does not count toward it. Last evaluated 2026-04-30.

Conditions:
CFTR-related disorder (CFTR-RD). Also called: CFTR-related disorders; CFTR-related condition. Identifiers: MedGen C5924204, MONDO:7770004.
Bronchiectasis with or without elevated sweat chloride 1 (BESC1). Also called: Cystic Fibrosis-Like Syndrome. Identifiers: Orphanet 60033, MedGen C2749757, MONDO:0008887, OMIM 211400.
Hereditary pancreatitis (PCTT). Also called: PRSS1-Related Hereditary Pancreatitis; Hereditary chronic pancreatitis. Identifiers: Orphanet 676, MedGen C0238339, MONDO:0008185, OMIM 167800.
Cystic fibrosis (CF). Also called: MUCOVISCIDOSIS. Identifiers: Orphanet 586, MedGen C0010674, MONDO:0009061, OMIM 219700. Disease mechanism: loss of function.
Congenital bilateral aplasia of vas deferens from CFTR mutation (CBAVD). Identifiers: Orphanet 48, MedGen C0403814, MONDO:0010178, OMIM 277180. Disease mechanism: loss of function.

Allele frequency attached by ClinVar (database versions not stated): gnomAD exomes below 0.00001 and 0.00001; gnomAD 0.00001; ExAC 0.00001.
gnomAD v4.1: 12 of 1,611,338 alleles (0.00074%); highest among the groups gnomAD compares: East Asian, 0.018%; no homozygotes.

Submissions (10):

Women's Health and Genetics/Laboratory Corporation of America, LabCorp
Classification: Likely pathogenic for Cystic fibrosis. Last evaluated: 2026-04-30. Review status: criteria provided, single submitter. Criteria: LabCorp Variant Classification Summary - May 2015. Collection method: clinical testing. Allele origin: germline.
Comment: Variant summary: CFTR c.4225G>A (p.Glu1409Lys) results in a conservative amino acid change located in the ATPase domain (IPR003593) of the encoded protein sequence. Algorithms developed to predict the effect of missense changes on protein structure and function are either unavailable or do not agree on the potential impact of this missense change. The variant allele was found at a frequency of 4e-06 in 250766 control chromosomes. c.4225G>A has been reported in the literature, external databases, or in internal data in compound heterozygous individuals affected with clinical features of Cystic Fibrosis and/or congenital bilateral absence of the vas deferens (Girardet_2015, Mota_2018, SickKids database, internal data). These data indicate that the variant is likely to be associated with disease. At least one publication reports experimental evidence evaluating an impact on protein function. The most pronounced variant effect resulted in approximately 11.52% of normal chloride channel conductance relative to wild type (e.g., Bihler_2024). The following publications have been ascertained in the context of this evaluation (PMID: 38388235, 33572515, 34740355, 32357917, 20059485, 24762087, 30232781, 25735457, 18556774, 26277102). ClinVar contains an entry for this variant (Variation ID: 53923). Based on the evidence outlined above, the variant was classified as likely pathogenic.

Ambry Genetics
Classification: Uncertain significance for Cystic fibrosis. Last evaluated: 2026-04-29. Review status: criteria provided, single submitter. Criteria: Ambry Variant Classification Scheme 2023. Collection method: clinical testing. Allele origin: germline.
Comment: The p.E1409K variant (also known as c.4225G>A), located in coding exon 26 of the CFTR gene, results from a G to A substitution at nucleotide position 4225. The glutamic acid at codon 1409 is replaced by lysine, an amino acid with similar properties. In an assay testing CFTR function, this variant showed a functionally abnormal result (Bihler H et al. J Cyst Fibros, 2024 Jul;23:664-675). This amino acid position is well conserved in available vertebrate species. In addition, this alteration is predicted to be deleterious by in silico analysis. Based on the available evidence, the clinical significance of this variant remains unclear.

Natera, Inc.
Classification: Likely pathogenic for CFTR-related disorders. Last evaluated: 2025-12-29. Review status: criteria provided, single submitter. Criteria: Natera Variant Classification Schema (03/2026). Collection method: clinical testing. Allele origin: germline.
Comment: The c.4225G>A variant in CFTR is a missense variant predicted to cause substitution of glutamic acid to lysine at amino acid 1409. This variant is rare in the general population with a frequency below the threshold expected for the associated phenotype(s). This variant has been observed in one or more individuals affected with the associated recessive disease, as either homozygous or compound heterozygous with a second variant (PMID: 30232781, 24762087). Functional studies show that this variant may disrupt protein function (PMID: 38388235). Computational prediction algorithms indicate this variant is likely to affect gene or protein function. Given the available evidence, this variant is classified as Likely Pathogenic.

Labcorp Genetics (formerly Invitae), Labcorp
Classification: Likely pathogenic for Cystic fibrosis. Last evaluated: 2024-11-13. Review status: criteria provided, single submitter. Criteria: Invitae Variant Classification Sherloc (09022015). Collection method: clinical testing. Allele origin: germline.
Comment: This sequence change replaces glutamic acid, which is acidic and polar, with lysine, which is basic and polar, at codon 1409 of the CFTR protein (p.Glu1409Lys). This variant is present in population databases (rs397508699, gnomAD 0.0009%). This missense change has been observed in individual(s) with CFTR-related conditions (PMID: 30232781; external communication). In at least one individual the data is consistent with being in trans (on the opposite chromosome) from a pathogenic variant. ClinVar contains an entry for this variant (Variation ID: 53923). Invitae Evidence Modeling of protein sequence and biophysical properties (such as structural, functional, and spatial information, amino acid conservation, physicochemical variation, residue mobility, and thermodynamic stability) indicates that this missense variant is expected to disrupt CFTR protein function with a positive predictive value of 80%. In summary, the currently available evidence indicates that the variant is pathogenic, but additional data are needed to prove that conclusively. Therefore, this variant has been classified as Likely Pathogenic.

Department of Pathology and Laboratory Medicine, Sinai Health System
Classification: Uncertain significance for cystic fibrosis. Last evaluated: 2022-12-12. Review status: criteria provided, single submitter. Criteria: ACMG Guidelines, 2015. Collection method: research. Allele origin: germline.

Fulgent Genetics
Classification: Uncertain significance for Hereditary pancreatitis; Bronchiectasis with or without elevated sweat chloride 1; Cystic fibrosis; Congenital bilateral aplasia of vas deferens from CFTR mutation. Last evaluated: 2021-09-25. Review status: criteria provided, single submitter. Criteria: ACMG Guidelines, 2015. Collection method: clinical testing. Allele origin: unknown.

Genome-Nilou Lab
Classification: Uncertain significance for Cystic fibrosis. Last evaluated: 2021-09-05. Review status: criteria provided, single submitter. Criteria: ACMG Guidelines, 2015. Collection method: clinical testing. Allele origin: germline. Affected: no.

ARUP Laboratories, Molecular Genetics and Genomics, ARUP Laboratories
Classification: Uncertain significance. Last evaluated: 2019-08-08. Review status: criteria provided, single submitter. Criteria: ARUP Molecular Germline Variant Investigation Process. Collection method: clinical testing. Allele origin: germline.
Comment: The CFTR c.4225G>A; p.Glu1409Lys variant (rs397508699) is reported in the Cystic Fibrosis Mutation database in an individual with a CFTR-related disorder who also carried a pathogenic CFTR variant (see link). The p.Glu1409Lys protein alteration is also reported in individuals with cystic fibrosis, but it is unclear if this is the same nucleotide variant or if other CFTR variants are present or not (Mota 2018, Schrijver 2008). This variant is reported in ClinVar (Variation ID: 53923), and is only observed on one allele in the Genome Aggregation Database, indicating it is not a common polymorphism. The glutamic acid at codon 1409 is moderately conserved, and computational analyses (SIFT: tolerated, PolyPhen-2: possibly damaging) predict conflicting effects of this variant on protein structure/function. Due to limited information, the clinical significance of the p.Glu1409Lys variant is uncertain at this time. References: Link to Cystic Fibrosis Mutation database: Mota LR et al. Description of rare mutations and a novel variant in Brazilian patients with Cystic Fibrosis: a case series from a referral center in the Bahia State. Mol Biol Rep. 2018 Dec;45(6):2045-2051. Schrijver I et al. Multiplex ligation-dependent probe amplification identification of whole exon and single nucleotide deletions in the CFTR gene of Hispanic individuals with cystic fibrosis. J Mol Diagn. 2008 Jul;10(4):368-75.

Mendelics
Classification: Uncertain significance for Cystic fibrosis. Last evaluated: 2018-11-05. Review status: criteria provided, single submitter. Criteria: Mendelics Assertion Criteria 2017. Collection method: clinical testing. Allele origin: unknown. Affected: yes.

ClinVar Staff, National Center for Biotechnology Information (NCBI)
No classification provided. Condition: CFTR-related disorders. Review status: no classification provided. Collection method: literature only. Allele origin: germline. Affected: yes. Not counted in ClinVar's aggregate classification.

Literature cited by the submitters: PubMed 20059485 (cited by Women's Health and Genetics/Laboratory Corporation of America, LabCorp and ClinVar Staff, National Center for Biotechnology Information (NCBI)); PubMed 18556774 (cited by Women's Health and Genetics/Laboratory Corporation of America, LabCorp); PubMed 25735457 (cited by Women's Health and Genetics/Laboratory Corporation of America, LabCorp); PubMed 30232781 (cited by 4 submitters); PubMed 26277102 (cited by Women's Health and Genetics/Laboratory Corporation of America, LabCorp); PubMed 24762087 (cited by Women's Health and Genetics/Laboratory Corporation of America, LabCorp and Natera, Inc.); PubMed 32357917 (cited by Women's Health and Genetics/Laboratory Corporation of America, LabCorp); PubMed 33572515 (cited by Women's Health and Genetics/Laboratory Corporation of America, LabCorp); PubMed 34740355 (cited by Women's Health and Genetics/Laboratory Corporation of America, LabCorp); PubMed 38388235 (cited by 3 submitters).

NM_000492.4(CFTR):c.4225G>A (p.Glu1409Lys)

Gene: CFTR (CF transmembrane conductance regulator; plus strand). Cytogenetic location: 7q31.2.
Variant type: single nucleotide variant.
Coding change: c.4225G>A on transcript NM_000492.4 (MANE Select); coding-DNA position 4225, G replaced by A.
Protein change: p.Glu1409Lys; replaces glutamic acid 1409 with lysine.
Molecular consequence: missense variant.
Genome position (GRCh38, 1-based): chr7:117,665,547, G>A. VCF-style: chr7-117665547-G-A. GRCh37 (hg19) VCF-style: chr7-117305601-G-A.
Other names: short protein forms E1409K.
Identifiers: ClinVar variation 53923 (VCV000053923.30), dbSNP rs397508699, ClinGen allele CA327456.